The following is an entry in ClinVar:

ClinVar aggregate classification (germline): Benign/Likely benign. Review status: criteria provided, multiple submitters, no conflicts (2 of 4 stars). 2 submissions from 2 submitters: Benign (1); Likely benign (1). Last evaluated 2025-07-07.

Conditions:
Autosomal dominant cerebellar ataxia. Also called: Spinocerebellar Ataxia, Dominant. Identifiers: Orphanet 99, MedGen C4087347, MONDO:0020380.

Allele frequency attached by ClinVar (database versions not stated): gnomAD 0.00004 and 0.00007; TOPMed 0.00004; gnomAD exomes 0.00012 and 0.00015; ExAC 0.00016; 1000 Genomes Project 30x 0.00078; 1000 Genomes Project 0.00080.
gnomAD v4.1: 217 of 1,591,112 alleles (0.014%); highest among the groups gnomAD compares: East Asian, 0.46%; 3 homozygotes.

Submissions (2):

Labcorp Genetics (formerly Invitae), Labcorp
Classification: Likely benign. Last evaluated: 2025-07-07. Review status: criteria provided, single submitter. Criteria: Invitae Variant Classification Sherloc (09022015). Collection method: clinical testing. Allele origin: germline.

Illumina Laboratory Services, Illumina
Classification: Benign for Spinocerebellar Ataxia, Dominant. Last evaluated: 2018-01-13. Review status: criteria provided, single submitter. Criteria: ICSL Variant Classification Criteria 13 December 2019. Collection method: clinical testing. Allele origin: germline.
Comment: This variant was observed in the ICSL laboratory as part of a predisposition screen in an ostensibly healthy population. It had not been previously curated by ICSL or reported in the Human Gene Mutation Database (HGMD: prior to June 1st, 2018), and was therefore a candidate for classification through an automated scoring system. Utilizing variant allele frequency, disease prevalence and penetrance estimates, and inheritance mode, an automated score was calculated to assess if this variant is too frequent to cause the disease. Based on the score and internal cut-off values, a variant classified as benign is not then subjected to further curation. The score for this variant resulted in a classification of benign for this disease.

NM_001378452.1(ITPR1):c.6808+8C>G

Gene: ITPR1 (inositol 1,4,5-trisphosphate receptor type 1; plus strand). Cytogenetic location: 3p26.1.
Variant type: single nucleotide variant.
Coding change: c.6808+8C>G on transcript NM_001378452.1 (MANE Select); 8 bases into the intron after coding-DNA position 6808, C replaced by G.
Molecular consequence: intron variant.
Genome position (GRCh38, 1-based): chr3:4,788,147, C>G. VCF-style: chr3-4788147-C-G. GRCh37 (hg19) VCF-style: chr3-4829831-C-G.
Other names: c.6664+8C>G (NM_001099952.4); c.6763+8C>G (NM_001168272.2); c.6619+8C>G (NM_002222.7).
Identifiers: ClinVar variation 345757 (VCV000345757.12), dbSNP rs2270749, ClinGen allele CA2232669.